The following is an entry in ClinVar:

NM_001358235.2(DCHS2):c.859C>T (p.Leu287=)

Gene: DCHS2 (dachsous cadherin-related 2; minus strand). Cytogenetic location: 4q31.3.
Variant type: single nucleotide variant.
Coding change: c.859C>T on transcript NM_001358235.2 (MANE Select); coding-DNA position 859, C replaced by T.
Protein change: p.Leu287=; no amino-acid change (leucine 287 retained).
Molecular consequence: synonymous variant.
Genome position (GRCh38, 1-based): chr4:154,490,497, G>A on the plus strand (C>T on the coding strand, the complement: DCHS2 is on the minus strand). VCF-style: chr4-154490497-G-A. GRCh37 (hg19) VCF-style: chr4-155411649-G-A.
Other names: c.859C>T, p.Leu287= (NM_001142552.2); c.859T=, p.Leu287= (NM_001412223.1).
Identifiers: ClinVar variation 3059312 (VCV003059312.2), dbSNP rs13130030, ClinGen allele CA3113864.

ClinVar aggregate classification (germline): Benign (0 of 4 stars; one submission).

Conditions:
DCHS2-related disorder. Also called: DCHS2-related condition.

Allele frequency attached by ClinVar (database versions not stated): 1000 Genomes Project 0.37859; 1000 Genomes Project 30x 0.37976; gnomAD 0.43476; TOPMed 0.43668; gnomAD exomes 0.44865; ExAC 0.46401.
gnomAD v4.1: 687,219 of 1,536,660 alleles (45%); highest among the groups gnomAD compares: Admixed American, 49%; 155,923 homozygotes.

Submission:

PreventionGenetics, part of Exact Sciences
Classification: Benign for DCHS2-related condition. Last evaluated: 2019-10-21. Review status: no assertion criteria provided. Collection method: clinical testing. Allele origin: germline.
Comment: This variant is classified as benign based on ACMG/AMP sequence variant interpretation guidelines (Richards et al. 2015 PMID: 25741868, with internal and published modifications).